The following is an entry in ClinVar:

NM_001852.4(COL9A2):c.104_105insCG (p.Pro37fs)

Genes: COL9A2 (collagen type IX alpha 2 chain; minus strand), LOC129930261 (ATAC-STARR-seq lymphoblastoid silent region 724; plus strand). Cytogenetic location: 1p34.2.
Variant type: Insertion.
Coding change: c.104_105insCG on transcript NM_001852.4 (MANE Select); coding-DNA positions 104 to 105, CG inserted.
Protein change: p.Pro37fs; shifts the reading frame from proline 37.
Molecular consequence: frameshift variant.
Genome position: GRCh38 VCF-style: chr1-40315635-C-CCG. GRCh37 (hg19) VCF-style: chr1-40781307-C-CCG.
Other names: short protein forms P37fs.
Identifiers: ClinVar variation 4533341 (VCV004533341.1).
Genomic context (GRCh38, chr1:40,315,635, plus strand): 5'-AGGTTAGAGACTTACGTCGATGCCGTCGGATCCAGGCACTCCCGGCGGTCCCGGGGGACC[C>CCG]GGGGGGCCCCGCTCTCCCGGTGGACCTCTCTGAAAAACACACACGGGGTGGGGCAGTCCT-3'

ClinVar aggregate classification (germline): Pathogenic (1 of 4 stars; one submission).

Conditions:
Monogenic hearing loss.

Submission:

Genetics Laboratory, Great Ormond Street Hospital NHS Foundation Trust, North Thames Genomic Laboratory Hub
Classification: Pathogenic for Monogenic hearing loss. Last evaluated: 2025-10-07. Review status: criteria provided, single submitter. Criteria: ACGS Best Practice Guidelines for Variant Classification in Rare Disease 2024 v1.2. Collection method: clinical testing. Allele origin: germline. Affected: yes.
Comment: PM2_moderate, PVS1_very-strong